The following is an entry in ClinVar:

ClinVar aggregate classification (germline): Conflicting classifications of pathogenicity. Review status: criteria provided, conflicting classifications (1 of 4 stars). 3 submissions from 3 submitters: Uncertain significance (2); Likely benign (1). Last evaluated 2023-03-23.

Conditions:
Hereditary cancer-predisposing syndrome. Also called: Hereditary Cancer Syndrome; Hereditary neoplastic syndrome; Neoplastic Syndromes, Hereditary; Tumor predisposition. Identifiers: Orphanet 140162, MedGen C0027672, MeSH D009386, MONDO:0015356.
BRCA2-related disorder. Also called: BRCA2-related condition; BRCA2-related disorders. Identifiers: MedGen CN239275.

Submissions (3):

University of Washington Department of Laboratory Medicine, University of Washington
Classification: Likely benign for Hereditary cancer-predisposing syndrome. Last evaluated: 2023-03-23. Review status: criteria provided, single submitter. Criteria: Dines et al. (Genet Med. 2020). Collection method: curation. Allele origin: germline.
Comment: Missense variant in a coldspot region where missense variants are very unlikely to be pathogenic (PMID:31911673).

BRCA2 exon 11 coldspot. Reclassification based on statistical prior probability.

PreventionGenetics, part of Exact Sciences
Classification: Uncertain significance for BRCA2-related condition. Last evaluated: 2022-11-09. Review status: criteria provided, single submitter. Criteria: ACMG Guidelines, 2015. Collection method: clinical testing. Allele origin: germline.
Comment: The BRCA2 c.6192G>C variant is predicted to result in the amino acid substitution p.Lys2064Asn. To our knowledge, this variant has not been reported in the literature or in a large population database, indicating this variant is rare. At this time, the clinical significance of this variant is uncertain due to the absence of conclusive functional and genetic evidence.

Ambry Genetics
Classification: Uncertain significance for Hereditary cancer-predisposing syndrome. Last evaluated: 2022-02-03. Review status: criteria provided, single submitter. Criteria: Ambry Variant Classification Scheme 2023. Collection method: clinical testing. Allele origin: germline.
Comment: The p.K2064N variant (also known as c.6192G>C), located in coding exon 10 of the BRCA2 gene, results from a G to C substitution at nucleotide position 6192. The lysine at codon 2064 is replaced by asparagine, an amino acid with similar properties. This amino acid position is well conserved in available vertebrate species. In addition, the in silico prediction for this alteration is inconclusive. Since supporting evidence is limited at this time, the clinical significance of this alteration remains unclear.

NM_000059.4(BRCA2):c.6192G>C (p.Lys2064Asn)

Gene: BRCA2 (BRCA2 DNA repair associated; plus strand). Cytogenetic location: 13q13.1.
Variant type: single nucleotide variant.
Coding change: c.6192G>C on transcript NM_000059.4 (MANE Select); coding-DNA position 6192, G replaced by C.
Protein change: p.Lys2064Asn; replaces lysine 2064 with asparagine.
Molecular consequence: missense variant.
Genome position (GRCh38, 1-based): chr13:32,340,547, G>C. VCF-style: chr13-32340547-G-C. GRCh37 (hg19) VCF-style: chr13-32914684-G-C.
Other names: short protein forms K2064N.
Identifiers: ClinVar variation 441401 (VCV000441401.8), dbSNP rs786202616, ClinGen allele CA387788817.
Genomic context (GRCh38, chr13:32,340,547, plus strand): 5'-CTTTTCATATAATGTGGTAAATTCATCTGCTTTCTCTGGATTTAGTACAGCAAGTGGAAA[G>C]CAAGTTTCCATTTTAGAAAGTTCCTTACACAAAGTTAAGGGAGTGTTAGAGGAATTTGAT-3'
Protein context (NP_000050.3, residues 2054-2074): AFSGFSTASG[Lys2064Asn]QVSILESSLH